The following is an entry in ClinVar:

NM_000057.4(BLM):c.1299T>A (p.Asp433Glu)

Gene: BLM (BLM RecQ like helicase; plus strand). Cytogenetic location: 15q26.1.
Variant type: single nucleotide variant.
Coding change: c.1299T>A on transcript NM_000057.4 (MANE Select); coding-DNA position 1299, T replaced by A.
Protein change: p.Asp433Glu; replaces aspartic acid 433 with glutamic acid.
Molecular consequence: missense variant.
Genome position (GRCh38, 1-based): chr15:90,760,672, T>A. VCF-style: chr15-90760672-T-A. GRCh37 (hg19) VCF-style: chr15-91303902-T-A.
Other names: c.1299T>A, p.Asp433Glu (NM_001287246.2, NM_001287247.2); c.174T>A, p.Asp58Glu (NM_001287248.2); short protein forms D433E, D58E.
Identifiers: ClinVar variation 2827477 (VCV002827477.4), dbSNP rs2505424446, ClinGen allele CA393842761.

ClinVar aggregate classification (germline): Uncertain significance. Review status: criteria provided, multiple submitters, no conflicts (2 of 4 stars). 2 submissions from 2 submitters: Uncertain significance (2). Last evaluated 2026-07-06.

Conditions:
Bloom syndrome (BLM). Also called: Bloom-Torre-Machacek syndrome. Identifiers: Orphanet 125, MedGen C0005859, MONDO:0008876, OMIM 210900.
Hereditary cancer-predisposing syndrome. Also called: Hereditary Cancer Syndrome; Hereditary neoplastic syndrome; Neoplastic Syndromes, Hereditary; Tumor predisposition. Identifiers: Orphanet 140162, MedGen C0027672, MeSH D009386, MONDO:0015356.

Submissions (2):

Ambry Genetics
Classification: Uncertain significance for Hereditary cancer-predisposing syndrome. Last evaluated: 2026-07-06. Review status: criteria provided, single submitter. Criteria: Ambry Variant Classification Scheme 2023. Collection method: clinical testing. Allele origin: germline.
Comment: The p.D433E variant (also known as c.1299T>A), located in coding exon 6 of the BLM gene, results from a T to A substitution at nucleotide position 1299. The aspartic acid at codon 433 is replaced by glutamic acid, an amino acid with highly similar properties. This amino acid position is conserved. In addition, this alteration is predicted to be tolerated by in silico analysis. Based on the available evidence, the clinical significance of this variant remains unclear.

Labcorp Genetics (formerly Invitae), Labcorp
Classification: Uncertain significance for Bloom syndrome. Last evaluated: 2023-01-10. Review status: criteria provided, single submitter. Criteria: Invitae Variant Classification Sherloc (09022015). Collection method: clinical testing. Allele origin: germline.
Comment: In summary, the available evidence is currently insufficient to determine the role of this variant in disease. Therefore, it has been classified as a Variant of Uncertain Significance. Advanced modeling of protein sequence and biophysical properties (such as structural, functional, and spatial information, amino acid conservation, physicochemical variation, residue mobility, and thermodynamic stability) performed at Invitae indicates that this missense variant is not expected to disrupt BLM protein function. This variant has not been reported in the literature in individuals affected with BLM-related conditions. This variant is not present in population databases (gnomAD no frequency). This sequence change replaces aspartic acid, which is acidic and polar, with glutamic acid, which is acidic and polar, at codon 433 of the BLM protein (p.Asp433Glu).